The following is an entry in ClinVar:

ClinVar aggregate classification (germline): Conflicting classifications of pathogenicity. Review status: criteria provided, conflicting classifications (1 of 4 stars). 6 submissions from 6 submitters: Uncertain significance (4); Likely benign (1). 1 of the submissions does not count toward it. Last evaluated 2026-01-28.

Conditions:
Hereditary cancer-predisposing syndrome. Also called: Hereditary Cancer Syndrome; Hereditary neoplastic syndrome; Tumor predisposition; Neoplastic Syndromes, Hereditary. Identifiers: Orphanet 140162, MedGen C0027672, MeSH D009386, MONDO:0015356.
Bloom syndrome (BLM). Also called: Bloom-Torre-Machacek syndrome. Identifiers: Orphanet 125, MedGen C0005859, MONDO:0008876, OMIM 210900.

Allele frequency attached by ClinVar (database versions not stated): ExAC 0.00001; gnomAD 0.00003; gnomAD exomes 0.00003; TOPMed 0.00005; ESP Exome Variant Server 0.00008.
gnomAD v4.1: 107 of 1,614,032 alleles (0.0066%); highest among the groups gnomAD compares: Middle Eastern, 0.033%; no homozygotes.

Submissions (6):

Labcorp Genetics (formerly Invitae), Labcorp
Classification: Uncertain significance for Bloom syndrome. Last evaluated: 2026-01-28. Review status: criteria provided, single submitter. Criteria: Invitae Variant Classification Sherloc (09022015). Collection method: clinical testing. Allele origin: germline.
Comment: This sequence change replaces alanine, which is neutral and non-polar, with serine, which is neutral and polar, at codon 135 of the BLM protein (p.Ala135Ser). This variant is present in population databases (rs373832397, gnomAD 0.01%). This variant has not been reported in the literature in individuals affected with BLM-related conditions. ClinVar contains an entry for this variant (Variation ID: 127508). An algorithm developed to predict the effect of missense changes on protein structure and function (PolyPhen-2) suggests that this variant is likely to be tolerated. In summary, the available evidence is currently insufficient to determine the role of this variant in disease. Therefore, it has been classified as a Variant of Uncertain Significance.

Quest Diagnostics Nichols Institute San Juan Capistrano
Classification: Uncertain significance. Last evaluated: 2025-07-18. Review status: criteria provided, single submitter. Criteria: Quest Diagnostics criteria. Collection method: clinical testing. Allele origin: unknown.
Comment: The BLM c.403G>T (p.Ala135Ser) variant has not been reported in individuals with BLM-related conditions in the published literature. The frequency of this variant in the general population (Genome Aggregation Database) is uninformative in the assessment of its pathogenicity. Analysis of this variant using bioinformatics tools for the prediction of the effect of amino acid changes on protein structure and function yielded predictions that this variant is benign. Based on the available information, we are unable to determine the clinical significance of this variant.

Ambry Genetics
Classification: Likely benign for Hereditary cancer-predisposing syndrome. Last evaluated: 2024-03-14. Review status: criteria provided, single submitter. Criteria: Ambry Variant Classification Scheme 2023. Collection method: clinical testing. Allele origin: germline.

GeneDx
Classification: Uncertain significance. Last evaluated: 2022-10-10. Review status: criteria provided, single submitter. Criteria: GeneDx Variant Classification Process June 2021. Collection method: clinical testing. Allele origin: germline. Affected: yes.
Comment: Not observed at significant frequency in large population cohorts (gnomAD); In silico analysis supports that this missense variant does not alter protein structure/function; Observed in individuals with a personal history of colorectal cancer or myelodysplastic syndrome, and observed in unaffected controls (DeRycke et al., 2017; Schwartz et al., 2017); This variant is associated with the following publications: (PMID: 28944238, 29641532, 29146900)

Revvity Omics, Revvity
Classification: Uncertain significance for Bloom syndrome. Last evaluated: 2022-06-13. Review status: criteria provided, single submitter. Criteria: ACMG Guidelines, 2015. Collection method: clinical testing. Allele origin: germline.

Natera, Inc.
Classification: Uncertain significance for Bloom syndrome. Last evaluated: 2018-06-13. Review status: no assertion criteria provided. Collection method: clinical testing. Allele origin: germline. Not counted in ClinVar's aggregate classification.

NM_000057.4(BLM):c.403G>T (p.Ala135Ser)

Gene: BLM (BLM RecQ like helicase; plus strand). Cytogenetic location: 15q26.1.
Variant type: single nucleotide variant.
Coding change: c.403G>T on transcript NM_000057.4 (MANE Select); coding-DNA position 403, G replaced by T.
Protein change: p.Ala135Ser; replaces alanine 135 with serine.
Molecular consequence: missense variant. On other transcripts: 5 prime UTR variant (1).
Genome position (GRCh38, 1-based): chr15:90,749,671, G>T. VCF-style: chr15-90749671-G-T. GRCh37 (hg19) VCF-style: chr15-91292901-G-T.
Other names: p.A135S:GCT>TCT; c.403G>T, p.Ala135Ser (NM_001287246.2, NM_001287247.2); c.-889G>T (NM_001287248.2); c.403G>T (LRG_20t1); short protein forms A135S.
Identifiers: ClinVar variation 127508 (VCV000127508.22), dbSNP rs373832397, ClinGen allele CA287127.